The following is an entry in ClinVar:

NM_003482.4(KMT2D):c.1940dup (p.Pro648fs)

Gene: KMT2D (lysine methyltransferase 2D; minus strand). Cytogenetic location: 12q13.12.
Variant type: Duplication.
Coding change: c.1940dup on transcript NM_003482.4 (MANE Select); coding-DNA position 1940, one base duplicated (C; older notation c.1940dupC).
Protein change: p.Pro648fs; shifts the reading frame from proline 648.
Molecular consequence: frameshift variant.
Genome position (GRCh38, 1-based): chr12:49,051,743, G duplicated on the plus strand (C on the coding strand, the reverse complement: KMT2D is on the minus strand); the first of 7 consecutive G bases (chr12:49,051,743-49,051,749); duplicating any one gives the same sequence. VCF-style (leftmost placement, unchanged base first): chr12-49051742-T-TG. GRCh37 (hg19) VCF-style: chr12-49445525-T-TG.
Other names: c.1940dupC (NM_003482.3); c.1940dup (NM_003482.3); short protein forms P648fs.
Identifiers: ClinVar variation 432829 (VCV000432829.2), dbSNP rs770315135, ClinGen allele CA6548387.

ClinVar aggregate classification (germline): Pathogenic (1 of 4 stars; one submission).

Submission:

GeneDx
Classification: Pathogenic. Last evaluated: 2025-03-18. Review status: criteria provided, single submitter. Criteria: GeneDx Variant Classification Process June 2021. Collection method: clinical testing. Allele origin: germline. Affected: yes.
Comment: Frameshift variant predicted to result in protein truncation or nonsense mediated decay in a gene for which loss of function is a known mechanism of disease; Not observed at significant frequency in large population cohorts (gnomAD); This variant is associated with the following publications: (PMID: 28475860, 35904121)